The following is an entry in ClinVar:

ClinVar aggregate classification (germline): Likely benign. Review status: criteria provided, multiple submitters, no conflicts (2 of 4 stars). 4 submissions from 4 submitters: Likely benign (4). Last evaluated 2026-03-09.

Conditions:
Macrothrombocytopenia and granulocyte inclusions with or without nephritis or sensorineural hearing loss (MATINS). Also called: BLEEDING DISORDER, PLATELET-TYPE, 6; MACROTHROMBOCYTOPENIA WITH DISPERSED LEUKOCYTIC INCLUSIONS; MACROTHROMBOCYTOPENIA, NEPHRITIS, AND DEAFNESS; MACROTHROMBOCYTOPENIA, NEPHRITIS, DEAFNESS, AND LEUKOCYTE INCLUSIONS; ALPORT SYNDROME WITH MACROTHROMBOCYTOPENIA; Fechtner syndrome. Identifiers: Orphanet 182050, MedGen C5200934, MONDO:0015912, OMIM 155100.
Autosomal dominant nonsyndromic hearing loss 17. Also called: Deafness, autosomal dominant 17; Autosomal dominant nonsyndromic deafness 17. Identifiers: Orphanet 90635, MedGen C1863659, MONDO:0011350, OMIM 603622.

gnomAD v4.1: 192 of 1,613,892 alleles (0.012%); highest among the groups gnomAD compares: Non-Finnish European, 0.016%; no homozygotes.

Submissions (4):

Women's Health and Genetics/Laboratory Corporation of America, LabCorp
Classification: Likely benign. Last evaluated: 2026-03-09. Review status: criteria provided, single submitter. Criteria: LabCorp Variant Classification Summary - May 2015. Collection method: clinical testing. Allele origin: germline.

Labcorp Genetics (formerly Invitae), Labcorp
Classification: Likely benign. Last evaluated: 2024-04-14. Review status: criteria provided, single submitter. Criteria: Invitae Variant Classification Sherloc (09022015). Collection method: clinical testing. Allele origin: germline.

Fulgent Genetics
Classification: Likely benign for Macrothrombocytopenia and granulocyte inclusions with or without nephritis or sensorineural hearing loss; Autosomal dominant nonsyndromic hearing loss 17. Last evaluated: 2022-05-04. Review status: criteria provided, single submitter. Criteria: ACMG Guidelines, 2015. Collection method: clinical testing. Allele origin: unknown.

Laboratory for Molecular Medicine, Mass General Brigham Personalized Medicine
Classification: Likely benign. Last evaluated: 2013-08-20. Review status: criteria provided, single submitter. Criteria: LMM Criteria. Collection method: clinical testing. Allele origin: germline. Observed: 1 variant allele.
Comment: Although this variant has not been identified in controls or by our laboratory, it is not expected to have clinical significance because it is not located withi n the splice consensus sequence.

NM_002473.6(MYH9):c.2037+14G>T

Gene: MYH9 (myosin heavy chain 9; minus strand). Cytogenetic location: 22q12.3.
Variant type: single nucleotide variant.
Coding change: c.2037+14G>T on transcript NM_002473.6 (MANE Select); 14 bases into the intron after coding-DNA position 2037, G replaced by T.
Molecular consequence: intron variant.
Genome position (GRCh38, 1-based): chr22:36,306,400, C>A on the plus strand (G>T on the coding strand, the complement: MYH9 is on the minus strand). VCF-style: chr22-36306400-C-A. GRCh37 (hg19) VCF-style: chr22-36702446-C-A.
Identifiers: ClinVar variation 179211 (VCV000179211.11), dbSNP rs727504713, ClinGen allele CA183961.